The following is an entry in ClinVar:

ClinVar aggregate classification (germline): Pathogenic. Review status: criteria provided, multiple submitters, no conflicts (2 of 4 stars). 2 submissions from 2 submitters: Pathogenic (2). Last evaluated 2019-10-07.

Conditions:
Bainbridge-Ropers syndrome. Also called: Severe feeding difficulties-failure to thrive-microcephaly due to ASXL3 deficiency syndrome. Identifiers: Orphanet 352577, MedGen C4750837, MONDO:0014205, OMIM 615485.

Submissions (2):

GeneDx
Classification: Pathogenic. Last evaluated: 2019-10-07. Review status: criteria provided, single submitter. Criteria: GeneDx Variant Classification Process June 2021. Collection method: clinical testing. Allele origin: germline. Affected: yes.
Comment: Frameshift variant predicted to result in protein truncation or nonsense mediated decay in a gene for which loss-of-function is a known mechanism of disease; Not observed in large population cohorts (Lek et al., 2016)

Genetic Services Laboratory, University of Chicago
Classification: Pathogenic for Bainbridge-Ropers syndrome. Last evaluated: 2015-01-16. Review status: criteria provided, single submitter. Criteria: ACMG Guidelines, 2015. Collection method: clinical testing. Allele origin: germline. Affected: yes.

NM_030632.3(ASXL3):c.1192_1195del (p.Thr398fs)

Gene: ASXL3 (ASXL transcriptional regulator 3; plus strand). Cytogenetic location: 18q12.1.
Variant type: Microsatellite.
Coding change: c.1192_1195del on transcript NM_030632.3 (MANE Select); coding-DNA positions 1192 to 1195, 4 bases deleted (ACAG; older notation c.1192_1195delACAG).
Protein change: p.Thr398fs; shifts the reading frame from threonine 398.
Molecular consequence: frameshift variant.
Genome position (GRCh38, 1-based): chr18:33,738,596-33,738,599, ACAG deleted; deleting any 4 consecutive bases within chr18:33,738,592-33,738,599 gives the same sequence; the c. name uses the placement nearest the transcript's 3' end. VCF-style (leftmost placement, unchanged base first): chr18-33738591-CACAG-C. GRCh37 (hg19) VCF-style: chr18-31318555-CACAG-C.
Other names: short protein forms T398fs.
Identifiers: ClinVar variation 210364 (VCV000210364.10), dbSNP rs797045317, ClinGen allele CA206982.